The following is an entry in ClinVar:

ClinVar aggregate classification (germline): Likely benign (1 of 4 stars; one submission).

Conditions:
Congenital contractural arachnodactyly (CCA). Also called: BEALS SYNDROME; Beals-Hecht syndrome; Arthrogryposis, distal, type 9. Identifiers: Orphanet 115, MedGen C0220668, MONDO:0007363, OMIM 121050.

Allele frequency attached by ClinVar (database versions not stated): TOPMed 0.00007; gnomAD 0.00008 and 0.00025; gnomAD exomes 0.00061; 1000 Genomes Project 30x 0.00078; 1000 Genomes Project 0.00100.
gnomAD v4.1: 259 of 528,654 alleles (0.049%); highest among the groups gnomAD compares: South Asian, 0.57%; 2 homozygotes.

Submission:

Illumina Laboratory Services, Illumina
Classification: Likely benign for Congenital contractural arachnodactyly. Last evaluated: 2018-01-13. Review status: criteria provided, single submitter. Criteria: ICSL Variant Classification Criteria 13 December 2019. Collection method: clinical testing. Allele origin: germline.
Comment: This variant was observed in the ICSL laboratory as part of a predisposition screen in an ostensibly healthy population. It had not been previously curated by ICSL or reported in the Human Gene Mutation Database (HGMD: prior to June 1st, 2018), and was therefore a candidate for classification through an automated scoring system. Utilizing variant allele frequency, disease prevalence and penetrance estimates, and inheritance mode, an automated score was calculated to assess if this variant is too frequent to cause the disease. Based on the score and internal cut-off values, a variant classified as likely benign is not then subjected to further curation. The score for this variant resulted in a classification of likely benign for this disease.

NM_001999.4(FBN2):c.*234T>C

Gene: FBN2 (fibrillin 2; minus strand). Cytogenetic location: 5q23.3.
Variant type: single nucleotide variant.
Coding change: c.*234T>C on transcript NM_001999.4 (MANE Select); 234 bases downstream of the stop codon, T replaced by C.
Molecular consequence: 3 prime UTR variant.
Genome position (GRCh38, 1-based): chr5:128,259,221, A>G on the plus strand (T>C on the coding strand, the complement: FBN2 is on the minus strand). VCF-style: chr5-128259221-A-G. GRCh37 (hg19) VCF-style: chr5-127594913-A-G.
Identifiers: ClinVar variation 907847 (VCV000907847.4), dbSNP rs375135682, ClinGen allele CA127001437.